The following is an entry in ClinVar:

ClinVar aggregate classification (germline): Uncertain significance (0 of 4 stars; one submission).

Conditions:
IFNLR1-related disorder. Also called: IFNLR1-related condition.

Allele frequency attached by ClinVar (database versions not stated): gnomAD exomes 0.00001.
gnomAD v4.1: 19 of 1,614,194 alleles (0.0012%); highest among the groups gnomAD compares: Non-Finnish European, 0.0016%; no homozygotes.

Submission:

PreventionGenetics, part of Exact Sciences
Classification: Uncertain significance for IFNLR1-related condition. Last evaluated: 2024-02-29. Review status: no assertion criteria provided. Collection method: clinical testing. Allele origin: germline.
Comment: The IFNLR1 c.333G>T variant is predicted to result in the amino acid substitution p.Trp111Cys. To our knowledge, this variant has not been reported in the literature or in a large population database, indicating this variant is rare. At this time, the clinical significance of this variant is uncertain due to the absence of conclusive functional and genetic evidence.

NM_170743.4(IFNLR1):c.333G>T (p.Trp111Cys)

Gene: IFNLR1 (interferon lambda receptor 1; minus strand). Cytogenetic location: 1p36.11.
Variant type: single nucleotide variant.
Coding change: c.333G>T on transcript NM_170743.4 (MANE Select); coding-DNA position 333, G replaced by T.
Protein change: p.Trp111Cys; replaces tryptophan 111 with cysteine.
Molecular consequence: missense variant.
Genome position (GRCh38, 1-based): chr1:24,169,451, C>A on the plus strand (G>T on the coding strand, the complement: IFNLR1 is on the minus strand). VCF-style: chr1-24169451-C-A. GRCh37 (hg19) VCF-style: chr1-24495941-C-A.
Other names: c.333G>T, p.Trp111Cys (NM_173064.3, NM_173065.3); short protein forms W111C.
Identifiers: ClinVar variation 3052402 (VCV003052402.2), dbSNP rs2523170421, ClinGen allele CA339039410.